The following is an entry in ClinVar:

ClinVar aggregate classification (germline): Uncertain significance. Review status: criteria provided, multiple submitters, no conflicts (2 of 4 stars). 3 submissions from 3 submitters: Uncertain significance (3). Last evaluated 2026-08-10.

Conditions:
Inborn genetic diseases. Identifiers: MedGen C0950123, MeSH D030342.

Allele frequency attached by ClinVar (database versions not stated): ExAC 0.00003; gnomAD exomes 0.00005; gnomAD 0.00002; TOPMed 0.00004.
gnomAD v4.1: 28 of 1,520,634 alleles (0.0018%); highest among the groups gnomAD compares: Admixed American, 0.014%; no homozygotes.

Submissions (3):

GeneDx
Classification: Uncertain significance. Last evaluated: 2026-08-10. Review status: criteria provided, single submitter. Criteria: GeneDx Variant Classification Process June 2021. Collection method: clinical testing. Allele origin: germline.
Comment: In silico analysis suggests that this missense variant does not alter protein structure/function; Has not been previously published as pathogenic or benign to our knowledge

Labcorp Genetics (formerly Invitae), Labcorp
Classification: Uncertain significance. Last evaluated: 2025-09-30. Review status: criteria provided, single submitter. Criteria: Invitae Variant Classification Sherloc (09022015). Collection method: clinical testing. Allele origin: germline.
Comment: This sequence change replaces arginine, which is basic and polar, with glutamine, which is neutral and polar, at codon 985 of the DCHS1 protein (p.Arg985Gln). This variant is present in population databases (rs757774203, gnomAD 0.02%). This variant has not been reported in the literature in individuals affected with DCHS1-related conditions. ClinVar contains an entry for this variant (Variation ID: 1254425). Invitae Evidence Modeling of protein sequence and biophysical properties (such as structural, functional, and spatial information, amino acid conservation, physicochemical variation, residue mobility, and thermodynamic stability) has been performed for this missense variant. However, the output from this modeling did not meet the statistical confidence thresholds required to predict the impact of this variant on DCHS1 protein function. In summary, the available evidence is currently insufficient to determine the role of this variant in disease. Therefore, it has been classified as a Variant of Uncertain Significance.

Ambry Genetics
Classification: Uncertain significance for Inborn genetic diseases. Last evaluated: 2025-01-01. Review status: criteria provided, single submitter. Criteria: Ambry Variant Classification Scheme 2023. Collection method: clinical testing. Allele origin: germline.

NM_003737.4(DCHS1):c.2954G>A (p.Arg985Gln)

Gene: DCHS1 (dachsous cadherin-related 1; minus strand). Cytogenetic location: 11p15.4.
Variant type: single nucleotide variant.
Coding change: c.2954G>A on transcript NM_003737.4 (MANE Select); coding-DNA position 2954, G replaced by A.
Protein change: p.Arg985Gln; replaces arginine 985 with glutamine.
Molecular consequence: missense variant.
Genome position (GRCh38, 1-based): chr11:6,632,558, C>T on the plus strand (G>A on the coding strand, the complement: DCHS1 is on the minus strand). VCF-style: chr11-6632558-C-T. GRCh37 (hg19) VCF-style: chr11-6653789-C-T.
Other names: c.2954G>A (NM_003737.2); short protein forms R985Q.
Identifiers: ClinVar variation 1254425 (VCV001254425.10), dbSNP rs757774203, ClinGen allele CA5860628.